The following is an entry in ClinVar:

ClinVar aggregate classification (germline): Uncertain significance (1 of 4 stars; one submission).

Allele frequency attached by ClinVar (database versions not stated): gnomAD exomes 0.00001; TOPMed 0.00002.
gnomAD v4.1: 8 of 1,535,254 alleles (0.00052%); highest among the groups gnomAD compares: Non-Finnish European, 0.00061%; no homozygotes.

Submission:

Labcorp Genetics (formerly Invitae), Labcorp
Classification: Uncertain significance. Last evaluated: 2024-12-12. Review status: criteria provided, single submitter. Criteria: Invitae Variant Classification Sherloc (09022015). Collection method: clinical testing. Allele origin: germline.
Comment: This sequence change falls in intron 5 of the CARD8 gene. It does not directly change the encoded amino acid sequence of the CARD8 protein. It affects a nucleotide within the consensus splice site. This variant is not present in population databases (gnomAD no frequency). This variant has not been reported in the literature in individuals affected with CARD8-related conditions. ClinVar contains an entry for this variant (Variation ID: 1043892). Variants that disrupt the consensus splice site are a relatively common cause of aberrant splicing (PMID: 17576681, 9536098). Algorithms developed to predict the effect of sequence changes on RNA splicing suggest that this variant is not likely to affect RNA splicing. In summary, the available evidence is currently insufficient to determine the role of this variant in disease. Therefore, it has been classified as a Variant of Uncertain Significance.

Literature cited by the submitters: PubMed 17576681; PubMed 9536098.

NM_001184900.3(CARD8):c.391+5T>C

Gene: CARD8 (caspase recruitment domain family member 8; minus strand). Cytogenetic location: 19q13.33.
Variant type: single nucleotide variant.
Coding change: c.391+5T>C on transcript NM_001184900.3 (MANE Select); 5 bases into the intron after coding-DNA position 391, T replaced by C.
Molecular consequence: intron variant.
Genome position (GRCh38, 1-based): chr19:48,232,448, A>G on the plus strand (T>C on the coding strand, the complement: CARD8 is on the minus strand). VCF-style: chr19-48232448-A-G. GRCh37 (hg19) VCF-style: chr19-48735705-A-G.
Other names: c.77-638T>C (NM_001351787.2, NM_001351791.2, NM_001351792.2 and 2 more transcripts); c.241+5T>C (NM_001351788.2, NM_001351789.2, NM_014959.5 and 2 more transcripts); c.55+5T>C (NM_001351786.2); c.149-638T>C (NM_001351790.2); c.391+5T>C (NM_001184902.2, NM_001351782.2, NM_001184903.1).
Identifiers: ClinVar variation 1043892 (VCV001043892.6), dbSNP rs937431054, ClinGen allele CA309291077.